The following is an entry in ClinVar:

ClinVar aggregate classification (germline): Uncertain significance (1 of 4 stars; one submission).

Conditions:
Cardiovascular phenotype. Identifiers: MedGen CN230736.
Hereditary cancer-predisposing syndrome. Also called: Tumor predisposition; Hereditary neoplastic syndrome; Neoplastic Syndromes, Hereditary; Hereditary Cancer Syndrome. Identifiers: Orphanet 140162, MedGen C0027672, MeSH D009386, MONDO:0015356.

Submission:

Ambry Genetics
Classification: Uncertain significance for Cardiovascular phenotype; Hereditary cancer-predisposing syndrome. Last evaluated: 2025-03-22. Review status: criteria provided, single submitter. Criteria: Ambry Variant Classification Scheme 2023. Collection method: clinical testing. Allele origin: germline.
Comment: The p.L1954F variant (also known as c.5860C>T), located in coding exon 39 of the NF1 gene, results from a C to T substitution at nucleotide position 5860. The leucine at codon 1954 is replaced by phenylalanine, an amino acid with highly similar properties. This amino acid position is conserved. In addition, the in silico prediction for this alteration is inconclusive. Based on the available evidence, the clinical significance of this variant remains unclear.

NM_001042492.3(NF1):c.5923C>T (p.Leu1975Phe)

Gene: NF1 (neurofibromin 1; plus strand). Cytogenetic location: 17q11.2.
Variant type: single nucleotide variant.
Coding change: c.5923C>T on transcript NM_001042492.3 (MANE Select); coding-DNA position 5923, C replaced by T.
Protein change: p.Leu1975Phe; replaces leucine 1975 with phenylalanine.
Molecular consequence: missense variant.
Genome position (GRCh38, 1-based): chr17:31,334,948, C>T. VCF-style: chr17-31334948-C-T. GRCh37 (hg19) VCF-style: chr17-29661966-C-T.
Other names: c.5860C>T, p.Leu1954Phe (NM_000267.4); short protein forms L1954F, L1975F.
Identifiers: ClinVar variation 4015551 (VCV004015551.1).